The following is an entry in ClinVar:

ClinVar aggregate classification (germline): Conflicting classifications of pathogenicity. Review status: criteria provided, conflicting classifications (1 of 4 stars). 16 submissions from 16 submitters: Uncertain significance (8); Benign (1); Likely benign (2). 5 of the submissions do not count toward it. Last evaluated 2026-05-17.

Conditions:
BRCA2-related cancer predisposition. Identifiers: MedGen CN377758, MONDO:0700269.
BRCA2-related disorder. Also called: BRCA2-related condition; BRCA2-related disorders. Identifiers: MedGen CN239275.
Hereditary cancer-predisposing syndrome. Also called: Hereditary Cancer Syndrome; Neoplastic Syndromes, Hereditary; Hereditary neoplastic syndrome; Tumor predisposition. Identifiers: Orphanet 140162, MedGen C0027672, MeSH D009386, MONDO:0015356.
Hereditary breast ovarian cancer syndrome. Also called: Hereditary breast and ovarian cancer syndrome; Breast and ovarian cancer; BRCA1- and BRCA2-Associated Hereditary Breast and Ovarian Cancer; Hereditary breast and/or ovarian cancer syndrome; Hereditary breast and ovarian cancer; Hereditary breast and ovarian cancer syndrome (HBOC). Identifiers: Orphanet 145, MedGen C0677776, MeSH D061325, MONDO:0003582. Disease mechanism: loss of function.
Breast-ovarian cancer, familial, susceptibility to, 2 (BROVCA2). Also called: BRCA2 Hereditary Breast and Ovarian Cancer. Identifiers: Orphanet 145, MedGen C2675520, MONDO:0012933, OMIM 612555. Disease mechanism: loss of function.
Malignant tumor of breast. Also called: Malignant breast neoplasm; Cancer breast. Identifiers: MedGen C0006142, MONDO:0007254. Disease mechanism: loss of function.

Allele frequency attached by ClinVar (database versions not stated): gnomAD exomes 0.00001; ExAC 0.00002; gnomAD 0.00003 and 0.00004; TOPMed 0.00003.
gnomAD v4.1: 27 of 1,613,778 alleles (0.0017%); highest among the groups gnomAD compares: African/African-American, 0.0093%; no homozygotes.

Submissions 1 to 9 of 16:

PreventionGenetics, part of Exact Sciences
Classification: Uncertain significance for BRCA2-related condition. Last evaluated: 2026-05-17. Review status: criteria provided, single submitter. Criteria: ACMG Guidelines, 2015. Collection method: clinical testing. Allele origin: germline.
Comment: The BRCA2 c.8420C>T variant is predicted to result in the amino acid substitution p.Ser2807Leu. This variant has been reported in individuals with breast and/or ovarian cancer, however it was also observed in controls (Suppl. Data 1, Momozawa et al. 2018. PubMed ID: 30287823; Table S1, Oliver et al. 2019. PubMed ID: 31921681; Breast Cancer Association Consortium et al. 2021. PubMed ID: 33471991). This variant was functionally classified as non-pathogenic or neutral via HDR assay (Guidugli et al. 2012. PubMed ID: 23108138; Hart et al. 2018. PubMed ID: 29884841; Richardson et al. 2021. PubMed ID: 33609447). This variant is reported in 0.016% of alleles in individuals of African descent in gnomAD, and has conflicting classifications in ClinVar, ranging from uncertain to benign (Variation ID: 52582). At this time, the clinical significance of this variant is uncertain due to the absence of conclusive functional and genetic evidence.

Labcorp Genetics (formerly Invitae), Labcorp
Classification: Likely benign for Hereditary breast ovarian cancer syndrome. Last evaluated: 2026-01-06. Review status: criteria provided, single submitter. Criteria: Invitae Variant Classification Sherloc (09022015). Collection method: clinical testing. Allele origin: germline.

Quest Diagnostics Nichols Institute San Juan Capistrano
Classification: Uncertain significance. Last evaluated: 2025-06-26. Review status: criteria provided, single submitter. Criteria: Quest Diagnostics criteria. Collection method: clinical testing. Allele origin: unknown.
Comment: The BRCA2 c.8420C>T (p.Ser2807Leu) variant has been identified in individuals with breast cancer (PMIDs: 30287823 (2018), 31921681 (2019), 33471991 (2021), see also LOVD) and reportedly unaffected individuals (PMIDs: 30287823 (2018), 36243179 (2022)). Functional studies report this variant does not effect homologous directed repair (HDR) activity (PMIDs: 29394989 (2018), 29884841 (2019), 33609447 (2021), 35736817 (2022)). The frequency of this variant in the general population (Genome Aggregation Database) is uninformative in the assessment of its pathogenicity. Analysis of this variant using bioinformatics tools for the prediction of the effect of amino acid changes on protein structure and function yielded predictions that this variant is damaging. Based on the available information, we are unable to determine the clinical significance of this variant.

All of Us Research Program, National Institutes of Health
Classification: Uncertain significance for BRCA2-related cancer predisposition. Last evaluated: 2024-09-23. Review status: criteria provided, single submitter. Criteria: ACMG Guidelines, 2015. Collection method: clinical testing. Allele origin: germline. Inheritance: Autosomal dominant inheritance. Observed: 9 variant alleles, 9 heterozygotes.
Comment: This missense variant replaces serine with leucine at codon 2807 in the DNA binding domain of the BRCA2 protein. Computational prediction suggests that this variant may not impact protein structure and function (internally defined REVEL score threshold <= 0.5, PMID: 27666373). Functional studies have shown this variant partially impacts BRCA2 function; in homology-directed repair assays the resulting protein retained approximately 60-75% function in comparison to the wild type BRCA2 protein (PMID: 29394989, 23108138). This variant has shown inconclusive association with breast cancer, prostate cancer, and pancreatic cancer across 4 large case-control studies: this variant was reported in 1/60466 breast cancer cases and 0/53461 controls; p-value=1 (PMID: 33471991; Leiden Open Variation Database DB-ID BRCA2_000323), 1/7051 female breast cancer cases and 1/11241 female controls: OR=1.59429057528598 (PMID: 30287823),0/1005 pancreatic cancer cases and 1/23705 controls: OR=0 (PMID: 32980694), and had a carrier frequency of 0.00013 in prostate cancer cases and 0.0000 frequency in controls (PMID: 31214711). This variant has been identified in 7/282772 chromosomes in the general population by the Genome Aggregation Database (gnomAD). The available evidence is insufficient to determine the role of this variant in disease conclusively. Therefore, this variant is classified as a Variant of Uncertain Significance.

This study involves interpretation of variants in research participants for the purpose of population health screening. Participant phenotype was not available at the time of variant classification. Additional details can be found in publication PMID: 35346344, PMCID: PMC8962531

Color Diagnostics, LLC DBA Color Health
Classification: Uncertain significance for Hereditary cancer-predisposing syndrome. Last evaluated: 2024-05-29. Review status: criteria provided, single submitter. Criteria: ACMG Guidelines, 2015. Collection method: clinical testing. Allele origin: germline.
Comment: This missense variant replaces serine with leucine at codon 2807 in the DNA binding domain of the BRCA2 protein. Computational prediction suggests that this variant may not impact protein structure and function. Functional studies have shown this variant has intermediate to full homology-direct DNA repair activity (PMID:23108138, 29394989, 35736817). This variant has shown inconclusive association with breast cancer, prostate cancer, and pancreatic cancer across four large case-control studies (PMID:30287823, 32980694, 31214711, 33471991; Leiden Open Variation Database DB-ID BRCA2_000323). This variant has been identified in 7/282772 chromosomes in the general population by the Genome Aggregation Database (gnomAD). The available evidence is insufficient to determine the role of this variant in disease conclusively. Therefore, this variant is classified as a Variant of Uncertain Significance.

German Consortium for Hereditary Breast and Ovarian Cancer, University Hospital Cologne
Classification: Uncertain significance for Hereditary breast ovarian cancer syndrome. Last evaluated: 2023-11-14. Review status: criteria provided, single submitter. Criteria: ClinGen BRCA2 V1.0.0. Collection method: curation. Allele origin: germline.
Comment: SpliceAI: 0.33, PP3; popmax:AFR popmax AF:0.000120645, BS1_sup;. According to the ClinGen ENIGMA BRCA2 v1.0.0 criteria we chose these criteria: PP3 (supporting pathogenic): Splice AI 0.33, BS1 (supporting benign): popmax:AFR popmax AF:0.000120645

Women's Health and Genetics/Laboratory Corporation of America, LabCorp
Classification: Likely benign. Last evaluated: 2022-07-26. Review status: criteria provided, single submitter. Criteria: LabCorp Variant Classification Summary - May 2015. Collection method: clinical testing. Allele origin: germline.
Comment: Variant summary: BRCA2 c.8420C>T (p.Ser2807Leu) results in a non-conservative amino acid change in the encoded protein sequence. Four of four in-silico tools predict a damaging effect of the variant on protein function. The variant allele was found at a frequency of 1.2e-05 in 251370 control chromosomes. The available data on variant occurrences in the general population are insufficient to allow any conclusion about variant significance. c.8420C>T has been reported in the literature in individuals affected with Hereditary Breast And Ovarian Cancer Syndrome, colorectal cancer, as well as in controls (Giannakis_2016, Oliver_2019, Momozawa_2018). These reports do not provide unequivocal conclusions about association of the variant with Hereditary Breast And Ovarian Cancer Syndrome. Multple studies using HDR assay report the variant to be functional/neutral (Guidugli_2012, Richardson_2021, Hart_2019). The HDR assay qualifies as a standardized gold-standard assay on the basis of the updated guidance provided by the ClinGen Sequence Variant Interpretation (SVI) Working Group (Brnich_2019). ClinGen SVI now recognizes benign functional evidence as sufficient for likely benign (Tavtigian_2018). Nine clinical diagnostic laboratories have submitted clinical-significance assessments for this variant to ClinVar after 2014 without evidence for independent evaluation. Seven submitters classified the variant as VUS while two classified the variant as likely benign/benign. Based on the evidence outlined above, the variant was classified as likely benign.

Ambry Genetics
Classification: Benign for Hereditary cancer-predisposing syndrome. Last evaluated: 2020-05-27. Review status: criteria provided, single submitter. Criteria: Ambry Variant Classification Scheme 2023. Collection method: clinical testing. Allele origin: germline.

Institute of Human Genetics, University of Leipzig Medical Center
Classification: Uncertain significance for Breast-ovarian cancer, familial, susceptibility to, 2. Last evaluated: 2019-08-08. Review status: criteria provided, single submitter. Criteria: ACMG Guidelines, 2015. Collection method: clinical testing. Allele origin: germline. Affected: yes. Observed: 1 variant allele.

NM_000059.4(BRCA2):c.8420C>T (p.Ser2807Leu)

Gene: BRCA2 (BRCA2 DNA repair associated; plus strand). Cytogenetic location: 13q13.1.
Variant type: single nucleotide variant.
Coding change: c.8420C>T on transcript NM_000059.4 (MANE Select); coding-DNA position 8420, C replaced by T.
Protein change: p.Ser2807Leu; replaces serine 2807 with leucine.
Molecular consequence: missense variant.
Genome position (GRCh38, 1-based): chr13:32,370,490, C>T. VCF-style: chr13-32370490-C-T. GRCh37 (hg19) VCF-style: chr13-32944627-C-T.
Other names: p.S2807L:TCG>TTG; 8648C>T; short protein forms S2807L.
Identifiers: ClinVar variation 52582 (VCV000052582.37), dbSNP rs55763607, ClinGen allele CA025635.